The following is an entry in ClinVar:

NM_001267550.2(TTN):c.80780del (p.Asn26927fs)

Genes: TTN-AS1 (TTN antisense RNA 1; plus strand), TTN (titin; minus strand). Cytogenetic location: 2q31.2.
Variant type: Deletion.
Coding change: c.80780del on transcript NM_001267550.2 (MANE Select); coding-DNA position 80780, one base deleted (A; older notation c.80780delA).
Protein change: p.Asn26927fs; shifts the reading frame from asparagine 26927.
Molecular consequence: frameshift variant.
Genome position (GRCh38, 1-based): chr2:178,565,352, T deleted on the plus strand (A on the coding strand, the reverse complement: TTN is on the minus strand); the first of 3 consecutive T bases (chr2:178,565,352-178,565,354); deleting any one gives the same sequence. VCF-style (leftmost placement, unchanged base first): chr2-178565351-GT-G. GRCh37 (hg19) VCF-style: chr2-179430078-GT-G.
Other names: c.75857del, p.Asn25286fs (NM_001256850.1); c.53585del, p.Asn17862fs (NM_003319.4); c.73076del, p.Asn24359fs (NM_133378.4); c.53960del, p.Asn17987fs (NM_133432.3); c.54161del, p.Asn18054fs (NM_133437.4); short protein forms N17862fs, N17987fs, N18054fs, N24359fs, N25286fs, N26927fs.
Identifiers: ClinVar variation 3760383 (VCV003760383.2).

ClinVar aggregate classification (germline): Likely pathogenic (1 of 4 stars; one submission).

Conditions:
Autosomal recessive limb-girdle muscular dystrophy type 2J (LGMDR10). Also called: Limb-girdle muscular dystrophy, type 2J; MUSCULAR DYSTROPHY, LIMB-GIRDLE, AUTOSOMAL RECESSIVE 10. Identifiers: Orphanet 140922, MedGen C1837342, MONDO:0012127, OMIM 608807.
Dilated cardiomyopathy 1G (CMD1G). Identifiers: Orphanet 154, MedGen C1858763, MONDO:0011400, OMIM 604145.

Submission:

Labcorp Genetics (formerly Invitae), Labcorp
Classification: Likely pathogenic for Dilated cardiomyopathy 1G; Autosomal recessive limb-girdle muscular dystrophy type 2J. Last evaluated: 2025-01-22. Review status: criteria provided, single submitter. Criteria: Invitae Variant Classification Sherloc (09022015). Collection method: clinical testing. Allele origin: germline.
Comment: This sequence change creates a premature translational stop signal (p.Asn26927Thrfs*26) in the TTN gene. While this is not anticipated to result in nonsense mediated decay, it is expected to create a truncated TTN protein. This variant is not present in population databases (gnomAD no frequency). This variant has not been reported in the literature in individuals affected with TTN-related conditions. This variant is located in the A band of TTN (PMID: 25589632). Truncating variants in this region are significantly overrepresented in patients affected with dilated cardiomyopathy (PMID: 25589632). Truncating variants in this region have also been reported in individuals affected with autosomal recessive centronuclear myopathy (PMID: 23975875). In summary, the currently available evidence indicates that the variant is pathogenic, but additional data are needed to prove that conclusively. Therefore, this variant has been classified as Likely Pathogenic.

Literature cited by the submitters: PubMed 25589632; PubMed 23975875.